The following is an entry in ClinVar:

NM_001103.4(ACTN2):c.6C>A (p.Asn2Lys)

Gene: ACTN2 (actinin alpha 2; plus strand). Cytogenetic location: 1q43.
Variant type: single nucleotide variant.
Coding change: c.6C>A on transcript NM_001103.4 (MANE Select); coding-DNA position 6, C replaced by A.
Protein change: p.Asn2Lys; replaces asparagine 2 with lysine.
Molecular consequence: missense variant. On other transcripts: 5 prime UTR variant (1).
Genome position (GRCh38, 1-based): chr1:236,686,679, C>A. VCF-style: chr1-236686679-C-A. GRCh37 (hg19) VCF-style: chr1-236849979-C-A.
Other names: c.6C>A (NM_001103.2); c.6C>A, p.Asn2Lys (NM_001278343.2); c.-816C>A (NM_001278344.2); short protein forms N2K.
Identifiers: ClinVar variation 841322 (VCV000841322.11), dbSNP rs755508640, ClinGen allele CA1472692.

ClinVar aggregate classification (germline): Uncertain significance. Review status: criteria provided, multiple submitters, no conflicts (2 of 4 stars). 2 submissions from 2 submitters: Uncertain significance (2). Last evaluated 2026-01-26.

Conditions:
Primary familial hypertrophic cardiomyopathy (HCM). Identifiers: Orphanet 99739, MedGen C0949658, MeSH D024741, MONDO:0024573. Inheritance: Various modes of inheritance.
Dilated cardiomyopathy 1AA (CMD1AA). Also called: CARDIOMYOPATHY, DILATED, 1AA, WITH OR WITHOUT LEFT VENTRICULAR NONCOMPACTION; CARDIOMYOPATHY, FAMILIAL HYPERTROPHIC, 23, WITH OR WITHOUT LEFT VENTRICULAR NONCOMPACTION; Cardiomyopathy, dilated, 1AA, with or without LVNC. Identifiers: Orphanet 154, MedGen C2677338, MONDO:0012808, OMIM 612158.
Cardiovascular phenotype. Identifiers: MedGen CN230736.

Allele frequency attached by ClinVar (database versions not stated): TOPMed below 0.00001; ExAC 0.00001; gnomAD 0.00002.
gnomAD v4.1: 4 of 1,559,476 alleles (0.00026%); highest among the groups gnomAD compares: East Asian, 0.0077%; no homozygotes.

Submissions (2):

Labcorp Genetics (formerly Invitae), Labcorp
Classification: Uncertain significance for Primary familial hypertrophic cardiomyopathy; Dilated cardiomyopathy 1AA. Last evaluated: 2026-01-26. Review status: criteria provided, single submitter. Criteria: Invitae Variant Classification Sherloc (09022015). Collection method: clinical testing. Allele origin: germline.
Comment: This sequence change replaces asparagine, which is neutral and polar, with lysine, which is basic and polar, at codon 2 of the ACTN2 protein (p.Asn2Lys). The frequency data for this variant in the population databases is considered unreliable, as metrics indicate poor data quality at this position in the gnomAD database. This variant has not been reported in the literature in individuals affected with ACTN2-related conditions. ClinVar contains an entry for this variant (Variation ID: 841322). An algorithm developed to predict the effect of missense changes on protein structure and function (PolyPhen-2) suggests that this variant is likely to be tolerated. In summary, the available evidence is currently insufficient to determine the role of this variant in disease. Therefore, it has been classified as a Variant of Uncertain Significance.

Ambry Genetics
Classification: Uncertain significance for Cardiovascular phenotype. Last evaluated: 2025-03-04. Review status: criteria provided, single submitter. Criteria: Ambry Variant Classification Scheme 2023. Collection method: clinical testing. Allele origin: germline.
Comment: The p.N2K variant (also known as c.6C>A), located in coding exon 1 of the ACTN2 gene, results from a C to A substitution at nucleotide position 6. The asparagine at codon 2 is replaced by lysine, an amino acid with similar properties. This amino acid position is conserved. In addition, this alteration is predicted to be tolerated by in silico analysis. Based on the available evidence, the clinical significance of this variant remains unclear.